The following is an entry in ClinVar:

NM_001379500.1(COL18A1):c.612C>T (p.Phe204=)

Gene: COL18A1 (collagen type XVIII alpha 1 chain; plus strand). Cytogenetic location: 21q22.3.
Variant type: single nucleotide variant.
Coding change: c.612C>T on transcript NM_001379500.1 (MANE Select); coding-DNA position 612, C replaced by T.
Protein change: p.Phe204=; no amino-acid change (phenylalanine 204 retained).
Molecular consequence: synonymous variant.
Genome position (GRCh38, 1-based): chr21:45,468,747, C>T. VCF-style: chr21-45468747-C-T. GRCh37 (hg19) VCF-style: chr21-46888661-C-T.
Other names: NM_130445.2:c.612C>T; c.1152C>T, p.Phe384= (NM_030582.4); c.1857C>T, p.Phe619= (NM_130444.3).
Identifiers: ClinVar variation 447132 (VCV000447132.14), dbSNP rs373748503, ClinGen allele CA10065798.

ClinVar aggregate classification (germline): Benign. Review status: criteria provided, multiple submitters, no conflicts (2 of 4 stars). 4 submissions from 4 submitters: Benign (4). Last evaluated 2026-01-27.

Conditions:
Knobloch syndrome (KNO). Also called: Myopia retinal detachment encephalocele; RETINAL DETACHMENT AND OCCIPITAL ENCEPHALOCELE. Identifiers: Orphanet 1571, MedGen C1849409, MONDO:0800166.

Allele frequency attached by ClinVar (database versions not stated): gnomAD 0.00546 and 0.00581; TOPMed 0.00595; 1000 Genomes Project 30x 0.00625; 1000 Genomes Project 0.00639; gnomAD exomes 0.00150; ExAC 0.00217; ESP Exome Variant Server 0.00447.
gnomAD v4.1: 1,815 of 1,589,832 alleles (0.11%); highest among the groups gnomAD compares: African/African-American, 1.9%; 22 homozygotes.

Submissions (4):

Labcorp Genetics (formerly Invitae), Labcorp
Classification: Benign. Last evaluated: 2026-01-27. Review status: criteria provided, single submitter. Criteria: Invitae Variant Classification Sherloc (09022015). Collection method: clinical testing. Allele origin: germline.

Illumina Laboratory Services, Illumina
Classification: Benign for Knobloch syndrome 1. Last evaluated: 2018-01-12. Review status: criteria provided, single submitter. Criteria: ICSL Variant Classification Criteria 13 December 2019. Collection method: clinical testing. Allele origin: germline.
Comment: This variant was observed in the ICSL laboratory as part of a predisposition screen in an ostensibly healthy population. It had not been previously curated by ICSL or reported in the Human Gene Mutation Database (HGMD: prior to June 1st, 2018), and was therefore a candidate for classification through an automated scoring system. Utilizing variant allele frequency, disease prevalence and penetrance estimates, and inheritance mode, an automated score was calculated to assess if this variant is too frequent to cause the disease. Based on the score and internal cut-off values, a variant classified as benign is not then subjected to further curation. The score for this variant resulted in a classification of benign for this disease.

Athena Diagnostics
Classification: Benign. Last evaluated: 2016-12-15. Review status: criteria provided, single submitter. Criteria: Athena Diagnostics Criteria. Collection method: clinical testing. Allele origin: germline.

Breakthrough Genomics
Classification: Benign. Review status: criteria provided, single submitter. Criteria: ACMG Guidelines, 2015. Collection method: not provided. Allele origin: germline. Inheritance: Autosomal recessive inheritance. Affected: yes.